The following is an entry in ClinVar:

NM_004727.3(SLC24A1):c.1567G>A (p.Val523Met)

Gene: SLC24A1 (solute carrier family 24 member 1; plus strand). Cytogenetic location: 15q22.31.
Variant type: single nucleotide variant.
Coding change: c.1567G>A on transcript NM_004727.3 (MANE Select); coding-DNA position 1567, G replaced by A.
Protein change: p.Val523Met; replaces valine 523 with methionine.
Molecular consequence: missense variant.
Genome position (GRCh38, 1-based): chr15:65,625,647, G>A. VCF-style: chr15-65625647-G-A. GRCh37 (hg19) VCF-style: chr15-65917985-G-A.
Other names: c.1567G>A (NM_004727.2); c.1567G>A, p.Val523Met (NM_001301031.1, NM_001301032.1, NM_001301033.2); short protein forms V523M.
Identifiers: ClinVar variation 1471699 (VCV001471699.10), dbSNP rs369970909, ClinGen allele CA7619936.

ClinVar aggregate classification (germline): Uncertain significance. Review status: criteria provided, multiple submitters, no conflicts (2 of 4 stars). 3 submissions from 3 submitters: Uncertain significance (3). Last evaluated 2025-01-29.

Conditions:
Inborn genetic diseases. Identifiers: MedGen C0950123, MeSH D030342.

Allele frequency attached by ClinVar (database versions not stated): gnomAD 0.00001; ExAC 0.00002; gnomAD exomes 0.00002; TOPMed 0.00002; ESP Exome Variant Server 0.00008.
gnomAD v4.1: 19 of 1,613,894 alleles (0.0012%); highest among the groups gnomAD compares: Admixed American, 0.005%; no homozygotes.

Submissions (3):

Ambry Genetics
Classification: Uncertain significance for Inborn genetic diseases. Last evaluated: 2025-01-29. Review status: criteria provided, single submitter. Criteria: Ambry Variant Classification Scheme 2023. Collection method: clinical testing. Allele origin: germline.

Blueprint Genetics
Classification: Uncertain significance. Last evaluated: 2024-07-11. Review status: criteria provided, single submitter. Criteria: ACMG Guidelines, 2015. Collection method: clinical testing. Allele origin: germline.

Labcorp Genetics (formerly Invitae), Labcorp
Classification: Uncertain significance. Last evaluated: 2021-04-23. Review status: criteria provided, single submitter. Criteria: Invitae Variant Classification Sherloc (09022015). Collection method: clinical testing. Allele origin: germline.
Comment: This sequence change replaces valine with methionine at codon 523 of the SLC24A1 protein (p.Val523Met). The valine residue is highly conserved and there is a small physicochemical difference between valine and methionine. In summary, the available evidence is currently insufficient to determine the role of this variant in disease. Therefore, it has been classified as a Variant of Uncertain Significance. Algorithms developed to predict the effect of missense changes on protein structure and function are either unavailable or do not agree on the potential impact of this missense change (SIFT: "Deleterious"; PolyPhen-2: "Probably Damaging"; Align-GVGD: "Class C0"). This variant has not been reported in the literature in individuals with SLC24A1-related conditions. This variant is present in population databases (rs369970909, ExAC 0.02%).